The following is an entry in ClinVar:

ClinVar aggregate classification (germline): Uncertain significance (1 of 4 stars; one submission).

Allele frequency attached by ClinVar (database versions not stated): gnomAD 0.00003; TOPMed 0.00003; ESP Exome Variant Server 0.00008.
gnomAD v4.1: 78 of 1,614,076 alleles (0.0048%); highest among the groups gnomAD compares: Non-Finnish European, 0.0059%; no homozygotes.

Submission:

Labcorp Genetics (formerly Invitae), Labcorp
Classification: Uncertain significance. Last evaluated: 2024-06-03. Review status: criteria provided, single submitter. Criteria: Invitae Variant Classification Sherloc (09022015). Collection method: clinical testing. Allele origin: germline.
Comment: This sequence change replaces alanine, which is neutral and non-polar, with valine, which is neutral and non-polar, at codon 62 of the UPB1 protein (p.Ala62Val). This variant is present in population databases (rs373673403, gnomAD 0.009%). This variant has not been reported in the literature in individuals affected with UPB1-related conditions. ClinVar contains an entry for this variant (Variation ID: 2173399). Algorithms developed to predict the effect of missense changes on protein structure and function output the following: SIFT: "Not Available"; PolyPhen-2: "Benign"; Align-GVGD: "Not Available". The valine amino acid residue is found in multiple mammalian species, which suggests that this missense change does not adversely affect protein function. In summary, the available evidence is currently insufficient to determine the role of this variant in disease. Therefore, it has been classified as a Variant of Uncertain Significance.

NM_016327.3(UPB1):c.185C>T (p.Ala62Val)

Gene: UPB1 (beta-ureidopropionase 1; plus strand). Cytogenetic location: 22q11.23.
Variant type: single nucleotide variant.
Coding change: c.185C>T on transcript NM_016327.3 (MANE Select); coding-DNA position 185, C replaced by T.
Protein change: p.Ala62Val; replaces alanine 62 with valine.
Molecular consequence: missense variant.
Genome position (GRCh38, 1-based): chr22:24,500,187, C>T. VCF-style: chr22-24500187-C-T. GRCh37 (hg19) VCF-style: chr22-24896155-C-T.
Other names: short protein forms A62V.
Identifiers: ClinVar variation 2173399 (VCV002173399.3), dbSNP rs373673403, ClinGen allele CA10153031.